The following is an entry in ClinVar:

NM_001080517.3(SETD5):c.1039G>A (p.Ala347Thr)

Gene: SETD5 (SET domain containing 5; plus strand). Cytogenetic location: 3p25.3.
Variant type: single nucleotide variant.
Coding change: c.1039G>A on transcript NM_001080517.3 (MANE Select); coding-DNA position 1039, G replaced by A.
Protein change: p.Ala347Thr; replaces alanine 347 with threonine.
Molecular consequence: missense variant.
Genome position (GRCh38, 1-based): chr3:9,442,207, G>A. VCF-style: chr3-9442207-G-A. GRCh37 (hg19) VCF-style: chr3-9483891-G-A.
Other names: c.745G>A, p.Ala249Thr (NM_001292043.2, NM_001349451.2); short protein forms A249T, A347T.
Identifiers: ClinVar variation 3255055 (VCV003255055.2), dbSNP rs2472725187.

ClinVar aggregate classification (germline): Likely pathogenic (1 of 4 stars; one submission).

Conditions:
Intellectual disability-facial dysmorphism syndrome due to SETD5 haploinsufficiency (MRD23). Also called: Intellectual developmental disorder, autosomal dominant 23. Identifiers: Orphanet 404440, MedGen C3810406, MONDO:0014336, OMIM 615761.

Submission:

Victorian Clinical Genetics Services, Murdoch Childrens Research Institute
Classification: Likely pathogenic for Intellectual disability-facial dysmorphism syndrome due to SETD5 haploinsufficiency. Last evaluated: 2024-09-22. Review status: criteria provided, single submitter. Criteria: ACMG Guidelines, 2015. Collection method: clinical testing. Allele origin: germline. Inheritance: Autosomal dominant inheritance. Affected: yes.
Comment: Based on the classification scheme VCGS_Germline_v1.3.4, this variant is classified as Likely pathogenic. Following criteria are met: 0102 - Loss of function is a known mechanism of disease in this gene and is associated with intellectual developmental disorder, autosomal dominant 23 (MIM#615761). (I) 0107 - This gene is associated with autosomal dominant disease. (I) 0115 - Variants in this gene are known to have variable expressivity. Some mildly affected mothers with the same SETD5 variant as their more severely affected children have been reported (PMID: 28881385). (I) 0200 - Variant is predicted to result in a missense amino acid change from alanine to threonine. (I) 0251 - This variant is heterozygous. (I) 0301 - Variant is absent from gnomAD (both v2 and v3). (SP) 0501 - Missense variant consistently predicted to be damaging by multiple in silico tools or highly conserved with a major amino acid change. (SP) 0602 - Variant is located in a hotspot region or cluster of pathogenic variants in the SET family domain (DECIPHER). (SP) 0710 - Another missense variant comparable to the one identified in this case has inconclusive previous evidence for pathogenicity. p.(Ala347Val) has been classified as a VUS by a clinical laboratory in ClinVar. (I) 0807 - This variant has no previous evidence of pathogenicity. (I) 0905 - No published segregation evidence has been identified for this variant. (I) 1007 - No published functional evidence has been identified for this variant. (SP) Legend: (SP) - Supporting pathogenic, (I) - Information, (SB) - Supporting benign

Literature cited by the submitters: PubMed 28881385.